The following is an entry in ClinVar:

NM_000135.4(FANCA):c.4168-11T>C

Genes: FANCA (FA complementation group A; minus strand), ZNF276 (zinc finger protein 276; plus strand). Cytogenetic location: 16q24.3.
Variant type: single nucleotide variant.
Coding change: c.4168-11T>C on transcript NM_000135.4 (MANE Select); 11 bases into the intron before coding-DNA position 4168, T replaced by C.
Molecular consequence: intron variant. On other transcripts: 3 prime UTR variant (2), non-coding transcript variant (4).
Genome position (GRCh38, 1-based): chr16:89,738,985, A>G on the plus strand (T>C on the coding strand, the complement: FANCA is on the minus strand). VCF-style: chr16-89738985-A-G. GRCh37 (hg19) VCF-style: chr16-89805393-A-G.
Other names: c.*739A>G (NM_001113525.2, NM_152287.4); c.4172-11T>C (NM_001286167.3).
Identifiers: ClinVar variation 1692225 (VCV001692225.3), dbSNP rs753475025, ClinGen allele CA8250707.

ClinVar aggregate classification (germline): Conflicting classifications of pathogenicity. Review status: criteria provided, conflicting classifications (1 of 4 stars). 2 submissions from 2 submitters: Uncertain significance (1); Likely benign (1). Last evaluated 2026-01-29.

Conditions:
Fanconi anemia (FA). Also called: Fanconi's anemia. Identifiers: Orphanet 84, MedGen C0015625, MeSH D005199, MONDO:0019391.

Allele frequency attached by ClinVar (database versions not stated): ExAC 0.00001; gnomAD 0.00001; gnomAD exomes 0.00001.
gnomAD v4.1: 16 of 1,614,090 alleles (0.00099%); highest among the groups gnomAD compares: Non-Finnish European, 0.0012%; no homozygotes.

Submissions (2):

Labcorp Genetics (formerly Invitae), Labcorp
Classification: Likely benign for Fanconi anemia. Last evaluated: 2026-01-29. Review status: criteria provided, single submitter. Criteria: Invitae Variant Classification Sherloc (09022015). Collection method: clinical testing. Allele origin: germline.

Sema4
Classification: Uncertain significance for Fanconi anemia. Last evaluated: 2021-12-17. Review status: criteria provided, single submitter. Criteria: Sema4 Curation Guidelines. Collection method: curation. Allele origin: germline.
Comment: The FANCA c.4168-11T>C variant has not been reported in the literature to our knowledge. It was observed in 2/113678 chromosomes of the Non-Finnish European subpopulation in the large and broad cohorts of the Genome Aggregation Database (PMID: 32461654). The variant has not been reported in ClinVar. In silico tools suggest the variant not to have an impact on splicing, though these predictions have not been confirmed by functional studies. The evidence is insufficient to meet ACMG/AMP criteria for classifying the variant as benign or pathogenic. Thus, the clinical significance of this variant is currently uncertain.